The following is an entry in ClinVar:

NM_001854.4(COL11A1):c.3762G>A (p.Lys1254=)

Gene: COL11A1 (collagen type XI alpha 1 chain; minus strand). Cytogenetic location: 1p21.1.
Variant type: single nucleotide variant.
Coding change: c.3762G>A on transcript NM_001854.4 (MANE Select); coding-DNA position 3762, G replaced by A.
Protein change: p.Lys1254=; no amino-acid change (lysine 1254 retained).
Molecular consequence: synonymous variant. On other transcripts: non-coding transcript variant (1).
Genome position (GRCh38, 1-based): chr1:102,920,311, C>T on the plus strand (G>A on the coding strand, the complement: COL11A1 is on the minus strand). VCF-style: chr1-102920311-C-T. GRCh37 (hg19) VCF-style: chr1-103385867-C-T.
Other names: c.3762G>A (NM_001854.3); c.3414G>A, p.Lys1138= (NM_001168249.1, NM_080630.4); c.3645G>A, p.Lys1215= (NM_001190709.2); c.3798G>A, p.Lys1266= (NM_080629.3).
Identifiers: ClinVar variation 2709057 (VCV002709057.6), dbSNP rs2101066494, ClinGen allele CA419198551.

ClinVar aggregate classification (germline): Conflicting classifications of pathogenicity. Review status: criteria provided, conflicting classifications (1 of 4 stars). 3 submissions from 3 submitters: Pathogenic (1); Likely pathogenic (1); Uncertain significance (1). Last evaluated 2025-10-23.

Conditions:
COL11A1-related disorder. Also called: COL11A1-related condition; COL11A1-related disorders.

Submissions (4):

PreventionGenetics, part of Exact Sciences
Classification: Likely pathogenic for COL11A1-related condition. Last evaluated: 2025-10-23. Review status: criteria provided, single submitter. Criteria: ACMG Guidelines, 2015. Collection method: clinical testing. Allele origin: germline.
Comment: The COL11A1 c.3762G>A variant is not predicted to result in an amino acid change (p.=). This variant occurs at the last nucleotide position of exon 49 and, based on available splicing prediction programs, it is predicted to weaken the consensus GT donor site and impact splicing (Alamut Visual v1.6.1; SpliceAI, Jaganathan et al. 2019. PubMed ID: 30661751). This variant has been reported as a de novo occurrence in an individual with Stickler syndrome (Drackley et al. 2024. PubMed ID: 39675476), as well as found in members of a family with Marshall syndrome (Wheeler et al. 2022. doi: 10.1016/j.gim.2022.01.452; (22)00469-5/pdf). This variant has not been reported in a large population database (gnomAD), indicating this variant is rare. This variant is interpreted as likely pathogenic.

Labcorp Genetics (formerly Invitae), Labcorp
Classification: Pathogenic. Last evaluated: 2024-05-23. Review status: criteria provided, single submitter. Criteria: Invitae Variant Classification Sherloc (09022015). Collection method: clinical testing. Allele origin: germline.
Comment: This sequence change affects codon 1254 of the COL11A1 mRNA. It is a 'silent' change, meaning that it does not change the encoded amino acid sequence of the COL11A1 protein. This variant also falls at the last nucleotide of exon 49, which is part of the consensus splice site for this exon. This variant is not present in population databases (gnomAD no frequency). This variant has been observed in individual(s) with Marshall syndrome (Invitae). In at least one individual the variant was observed to be de novo. Variants that disrupt the consensus splice site are a relatively common cause of aberrant splicing (PMID: 17576681, 9536098). Algorithms developed to predict the effect of sequence changes on RNA splicing suggest that this variant may disrupt the consensus splice site. For these reasons, this variant has been classified as Pathogenic.

Blueprint Genetics
Classification: Uncertain significance. Last evaluated: 2018-02-01. Review status: criteria provided, single submitter. Criteria: ACMG Guidelines, 2015. Collection method: clinical testing. Allele origin: germline.

Dr. Peter K. Rogan Lab, Western University
No classification provided (evidence only). Condition: Thyroid cancer, nonmedullary, 1. Review status: no classification provided. Collection method: in vitro. Allele origin: not applicable. Functional consequence: retained intron. Not counted in ClinVar's aggregate classification.

Literature cited by the submitters: PubMed 17576681 (cited by Labcorp Genetics (formerly Invitae), Labcorp); PubMed 9536098 (cited by Labcorp Genetics (formerly Invitae), Labcorp).